The following is an entry in ClinVar:

NM_001556.3(IKBKB):c.2169A>G (p.Ile723Met)

Gene: IKBKB (inhibitor of nuclear factor kappa B kinase subunit beta; plus strand). Cytogenetic location: 8p11.21.
Variant type: single nucleotide variant.
Coding change: c.2169A>G on transcript NM_001556.3 (MANE Select); coding-DNA position 2169, A replaced by G.
Protein change: p.Ile723Met; replaces isoleucine 723 with methionine.
Molecular consequence: missense variant. On other transcripts: non-coding transcript variant (3).
Genome position (GRCh38, 1-based): chr8:42,329,178, A>G. VCF-style: chr8-42329178-A-G. GRCh37 (hg19) VCF-style: chr8-42186696-A-G.
Other names: c.1977A>G, p.Ile659Met (NM_001190720.3); c.1992A>G, p.Ile664Met (NM_001242778.2); short protein forms I664M, I723M, I659M.
Identifiers: ClinVar variation 1035160 (VCV001035160.2), dbSNP rs150441824, ClinGen allele CA4732207.
Genomic context (GRCh38, chr8:42,329,178, plus strand): 5'-CTTTAGTGAAGAACTGGTGGCTGAAGCACATAACCTCTGCACCCTGCTAGAAAATGCCAT[A>G]CAGGACACTGTGAGGGAACAAGACCAGAGTTTCACGGTAACAGCTTGTGTGAGACTCCTG-3'
Protein context (NP_001547.1, residues 713-733): HNLCTLLENA[Ile723Met]QDTVREQDQS

ClinVar aggregate classification (germline): Uncertain significance (1 of 4 stars; one submission).

Conditions:
Severe combined immunodeficiency due to IKK2 deficiency. Also called: Immunodeficiency 15; IMMUNODEFICIENCY 15B. Identifiers: Orphanet 397787, MedGen C4747743, MONDO:0014267, OMIM 615592.

Allele frequency attached by ClinVar (database versions not stated): ExAC 0.00002; gnomAD exomes 0.00003 and 0.00008; TOPMed 0.00003; ESP Exome Variant Server 0.00008.

Submission:

Labcorp Genetics (formerly Invitae), Labcorp
Classification: Uncertain significance for Severe combined immunodeficiency due to IKK2 deficiency. Last evaluated: 2022-07-08. Review status: criteria provided, single submitter. Criteria: Invitae Variant Classification Sherloc (09022015). Collection method: clinical testing. Allele origin: germline.
Comment: This sequence change replaces isoleucine, which is neutral and non-polar, with methionine, which is neutral and non-polar, at codon 723 of the IKBKB protein (p.Ile723Met). This variant is present in population databases (rs150441824, gnomAD 0.006%). This variant has not been reported in the literature in individuals affected with IKBKB-related conditions. ClinVar contains an entry for this variant (Variation ID: 1035160). Advanced modeling of protein sequence and biophysical properties (such as structural, functional, and spatial information, amino acid conservation, physicochemical variation, residue mobility, and thermodynamic stability) performed at Invitae indicates that this missense variant is not expected to disrupt IKBKB protein function. In summary, the available evidence is currently insufficient to determine the role of this variant in disease. Therefore, it has been classified as a Variant of Uncertain Significance.